The following is an entry in ClinVar:

ClinVar aggregate classification (germline): Conflicting classifications of pathogenicity. Review status: criteria provided, conflicting classifications (1 of 4 stars). 3 submissions from 3 submitters: Uncertain significance (2); Likely benign (1). Last evaluated 2026-05-01.

Conditions:
ALDH18A1-related de Barsy syndrome. Also called: DE BARSY SYNDROME A; Cutis laxa, autosomal recessive IIIA. Identifiers: Orphanet 2962, Orphanet 35664, MedGen C5234852, MONDO:0009053, OMIM 219150.
Autosomal dominant spastic paraplegia type 9. Identifiers: MedGen C1832669, MONDO:0015091.
de Barsy syndrome. Also called: Cutis laxa-corneal clouding-oligophrenia syndrome. Identifiers: Orphanet 2962, MedGen C0268354, MONDO:0017569.
Cutis laxa, autosomal dominant 3 (ADCL3). Identifiers: Orphanet 90348, MedGen C4225268, MONDO:0014706, OMIM 616603.

Allele frequency attached by ClinVar (database versions not stated): gnomAD below 0.00001 and 0.00001; gnomAD exomes 0.00001 and 0.00002; ExAC 0.00002.
gnomAD v4.1: 18 of 1,613,212 alleles (0.0011%); highest among the groups gnomAD compares: South Asian, 0.02%; no homozygotes.

Submissions (3):

CeGaT Center for Human Genetics Tuebingen
Classification: Uncertain significance. Last evaluated: 2026-05-01. Review status: criteria provided, single submitter. Criteria: CeGaT Center For Human Genetics Tuebingen Variant Classification Criteria Version 2. Collection method: clinical testing. Allele origin: germline. Affected: yes. Observed: 1 variant allele.
Comment: ALDH18A1: PM2, BP4

Labcorp Genetics (formerly Invitae), Labcorp
Classification: Likely benign for Autosomal dominant spastic paraplegia type 9; de Barsy syndrome; Cutis laxa, autosomal dominant 3. Last evaluated: 2025-09-09. Review status: criteria provided, single submitter. Criteria: Invitae Variant Classification Sherloc (09022015). Collection method: clinical testing. Allele origin: germline.

Illumina Laboratory Services, Illumina
Classification: Uncertain significance for ALDH18A1-related de Barsy syndrome. Last evaluated: 2018-01-12. Review status: criteria provided, single submitter. Criteria: ICSL Variant Classification Criteria 13 December 2019. Collection method: clinical testing. Allele origin: germline.

NM_002860.4(ALDH18A1):c.819C>T (p.Asp273=)

Gene: ALDH18A1 (aldehyde dehydrogenase 18 family member A1; minus strand). Cytogenetic location: 10q24.1.
Variant type: single nucleotide variant.
Coding change: c.819C>T on transcript NM_002860.4 (MANE Select); coding-DNA position 819, C replaced by T.
Protein change: p.Asp273=; no amino-acid change (aspartic acid 273 retained).
Molecular consequence: synonymous variant.
Genome position (GRCh38, 1-based): chr10:95,628,482, G>A on the plus strand (C>T on the coding strand, the complement: ALDH18A1 is on the minus strand). VCF-style: chr10-95628482-G-A. GRCh37 (hg19) VCF-style: chr10-97388239-G-A.
Other names: c.813C>T, p.Asp271= (NM_001017423.2, NM_001323415.2); c.486C>T, p.Asp162= (NM_001323412.2, NM_001323416.2); c.819C>T, p.Asp273= (NM_001323413.2, NM_001323414.2); c.714C>T, p.Asp238= (NM_001323417.2); c.480C>T, p.Asp160= (NM_001323418.2); c.183C>T, p.Asp61= (NM_001323419.2).
Identifiers: ClinVar variation 878096 (VCV000878096.9), dbSNP rs752470665, ClinGen allele CA5620496.